The following is an entry in ClinVar:

ClinVar aggregate classification (germline): Likely benign. Review status: criteria provided, multiple submitters, no conflicts (2 of 4 stars). 3 submissions from 3 submitters: Likely benign (3). Last evaluated 2026-01-01.

Conditions:
SOS2-related disorder. Also called: SOS2-related condition.
Noonan syndrome 9 (NS9). Identifiers: Orphanet 648, MedGen C4225282, MONDO:0014691, OMIM 616559.

Allele frequency attached by ClinVar (database versions not stated): gnomAD exomes below 0.00001 and 0.00001; ExAC 0.00002; TOPMed 0.00002.
gnomAD v4.1: 5 of 1,608,798 alleles (0.00031%); highest among the groups gnomAD compares: Admixed American, 0.0084%; no homozygotes.

Submissions (3):

CeGaT Center for Human Genetics Tuebingen
Classification: Likely benign. Last evaluated: 2026-01-01. Review status: criteria provided, single submitter. Criteria: CeGaT Center For Human Genetics Tuebingen Variant Classification Criteria Version 2. Collection method: clinical testing. Allele origin: germline. Affected: yes. Observed: 1 variant allele.
Comment: SOS2: BP4, BP7

Labcorp Genetics (formerly Invitae), Labcorp
Classification: Likely benign for Noonan syndrome 9. Last evaluated: 2025-02-18. Review status: criteria provided, single submitter. Criteria: Invitae Variant Classification Sherloc (09022015). Collection method: clinical testing. Allele origin: germline.

PreventionGenetics, part of Exact Sciences
Classification: Likely benign for SOS2-related condition. Last evaluated: 2020-02-17. Review status: criteria provided, single submitter. Criteria: ACMG Guidelines, 2015. Collection method: clinical testing. Allele origin: germline.
Comment: This variant is classified as likely benign based on ACMG/AMP sequence variant interpretation guidelines (Richards et al. 2015 PMID: 25741868, with internal and published modifications).

NM_006939.4(SOS2):c.2646C>T (p.Tyr882=)

Gene: SOS2 (SOS Ras/Rho guanine nucleotide exchange factor 2; minus strand). Cytogenetic location: 14q21.3.
Variant type: single nucleotide variant.
Coding change: c.2646C>T on transcript NM_006939.4 (MANE Select); coding-DNA position 2646, C replaced by T.
Protein change: p.Tyr882=; no amino-acid change (tyrosine 882 retained).
Molecular consequence: synonymous variant.
Genome position (GRCh38, 1-based): chr14:50,145,191, G>A on the plus strand (C>T on the coding strand, the complement: SOS2 is on the minus strand). VCF-style: chr14-50145191-G-A. GRCh37 (hg19) VCF-style: chr14-50611909-G-A.
Other names: c.2646C>T (NM_006939.3).
Identifiers: ClinVar variation 737869 (VCV000737869.14), dbSNP rs761205651, ClinGen allele CA7176995.
Genomic context (GRCh38, chr14:50,145,191, plus strand): 5'-ATCCCCGAGAAAAATGAAAAAGTTAAGCCTAAAACTTACCTCAAAGGTATGGTCTAGTCT[G>A]TATACTGACACTGAATTTACTGCACTGACTATCTCCAATACGCCATTGAAATTATTCAAA-3'
Protein context (NP_008870.2, residues 872-892): IVSAVNSVSV[Tyr882=]RLDHTFEALQ